The following is an entry in ClinVar:

ClinVar aggregate classification (germline): Likely benign. Review status: criteria provided, multiple submitters, no conflicts (2 of 4 stars). 2 submissions from 2 submitters: Likely benign (2). Last evaluated 2025-12-23.

Conditions:
Neuronal ceroid lipofuscinosis. Also called: Neuronal Ceroid Lipofuscinoses. Identifiers: Orphanet 216, Orphanet 79263, MedGen C0027877, MONDO:0016295. Disease mechanism: loss of function.

Allele frequency attached by ClinVar (database versions not stated): ExAC 0.00001; gnomAD exomes 0.00001; TOPMed 0.00003; gnomAD 0.00006.

Submissions (2):

Labcorp Genetics (formerly Invitae), Labcorp
Classification: Likely benign for Neuronal ceroid lipofuscinosis. Last evaluated: 2025-12-23. Review status: criteria provided, single submitter. Criteria: Invitae Variant Classification Sherloc (09022015). Collection method: clinical testing. Allele origin: germline.

GeneDx
Classification: Likely benign. Last evaluated: 2018-06-13. Review status: criteria provided, single submitter. Criteria: GeneDx Variant Classification (06012015). Collection method: clinical testing. Allele origin: germline. Affected: yes.
Comment: This variant is considered likely benign or benign based on one or more of the following criteria: it is a conservative change, it occurs at a poorly conserved position in the protein, it is predicted to be benign by multiple in silico algorithms, and/or has population frequency not consistent with disease.

NM_001909.5(CTSD):c.174G>A (p.Ala58=)

Genes: PRADX (PRC2 and DDX5 associated lncRNA; plus strand), CTSD (cathepsin D; minus strand). Cytogenetic location: 11p15.5.
Variant type: single nucleotide variant.
Coding change: c.174G>A on transcript NM_001909.5 (MANE Select); coding-DNA position 174, G replaced by A.
Protein change: p.Ala58=; no amino-acid change (alanine 58 retained).
Molecular consequence: synonymous variant.
Genome position (GRCh38, 1-based): chr11:1,761,363, C>T on the plus strand (G>A on the coding strand, the complement: CTSD is on the minus strand). VCF-style: chr11-1761363-C-T. GRCh37 (hg19) VCF-style: chr11-1782593-C-T.
Identifiers: ClinVar variation 671128 (VCV000671128.13), dbSNP rs565191387, ClinGen allele CA5814278.
Genomic context (GRCh38, chr11:1,761,363, plus strand): 5'-ACTCACGTCCATGTAGTTCTTGAGCACCTCGGGAATGGGCCCCTCGGTCACGGCTGGCAC[C>T]GCCTGGGAGTACTTTGAGACGGGGCCTTTGGCAATCAGGTCCTCCACAGAGCCCCCAACC-3'
Protein context (NP_001900.1, residues 48-68): AKGPVSKYSQ[Ala58=]VPAVTEGPIP